The following is an entry in ClinVar:

NM_004766.3(COPB2):c.2578_2580del (p.Pro860del)

Gene: COPB2 (coat protein complex I subunit beta 2; minus strand). Cytogenetic location: 3q23.
Variant type: Deletion.
Coding change: c.2578_2580del on transcript NM_004766.3 (MANE Select); coding-DNA positions 2578 to 2580, 3 bases deleted (CCT; older notation c.2578_2580delCCT).
Protein change: p.Pro860del; deletes proline 860.
Molecular consequence: non-coding transcript variant (on NR_023350.1).
Genome position (GRCh38, 1-based): chr3:139,358,245-139,358,247, AGG deleted on the plus strand (CCT on the coding strand, the reverse complement: COPB2 is on the minus strand); deleting any 3 consecutive bases within chr3:139,358,245-139,358,249 gives the same sequence; the c. name uses the placement nearest the transcript's 3' end. VCF-style (leftmost placement, unchanged base first): chr3-139358244-TAGG-T. GRCh37 (hg19) VCF-style: chr3-139077086-TAGG-T.
Other names: c.2491_2493del, p.Pro831del (NM_001410834.1); short protein forms P831del, P860del.
Identifiers: ClinVar variation 4084912 (VCV004084912.9).
Genomic context (GRCh38, chr3:139,358,244, plus strand): 5'-ATGATGTCTGACCTACCTTTTCTTCTTTGTTGGCTGTGTGGGAGGCCACAATAACCGGAG[TAGG>T]AGAAGCAGGTTTCCCATCAAGTTCCTGAAACCACAAGTGAAGATATATATGAAGACAAGG-3'

ClinVar aggregate classification (germline): Conflicting classifications of pathogenicity. Review status: criteria provided, conflicting classifications (1 of 4 stars). 2 submissions from 2 submitters: Uncertain significance (1); Likely benign (1). Last evaluated 2025-07-01.

Submissions (2):

CeGaT Center for Human Genetics Tuebingen
Classification: Uncertain significance. Last evaluated: 2025-07-01. Review status: criteria provided, single submitter. Criteria: CeGaT Center For Human Genetics Tuebingen Variant Classification Criteria Version 2. Collection method: clinical testing. Allele origin: germline. Affected: yes. Observed: 1 variant allele.
Comment: COPB2: PM2, PM4:Supporting

Labcorp Genetics (formerly Invitae), Labcorp
Classification: Likely benign. Last evaluated: 2025-04-22. Review status: criteria provided, single submitter. Criteria: Invitae Variant Classification Sherloc (09022015). Collection method: clinical testing. Allele origin: germline.